The following is an entry in ClinVar:

NM_017617.5(NOTCH1):c.1100-16G>C

Gene: NOTCH1 (notch receptor 1; minus strand). Cytogenetic location: 9q34.3.
Variant type: single nucleotide variant.
Coding change: c.1100-16G>C on transcript NM_017617.5 (MANE Select); 16 bases into the intron before coding-DNA position 1100, G replaced by C.
Molecular consequence: intron variant.
Genome position (GRCh38, 1-based): chr9:136,518,308, C>G on the plus strand (G>C on the coding strand, the complement: NOTCH1 is on the minus strand). VCF-style: chr9-136518308-C-G. GRCh37 (hg19) VCF-style: chr9-139412760-C-G.
Other names: c.1100-16G>C (NM_017617.4, LRG_1122t1).
Identifiers: ClinVar variation 391139 (VCV000391139.13), dbSNP rs146815871, ClinGen allele CA5341911.

ClinVar aggregate classification (germline): Benign/Likely benign. Review status: criteria provided, multiple submitters, no conflicts (2 of 4 stars). 8 submissions from 7 submitters: Benign (7); Likely benign (1). Last evaluated 2026-02-01.

Conditions:
Adams-Oliver syndrome 5 (AOS5). Identifiers: Orphanet 974, MedGen C4014970, MONDO:0014459, OMIM 616028.
Aortic valve disease 1 (AOVD1). Identifiers: MedGen C3887892, MONDO:0024523, OMIM 109730.

Allele frequency attached by ClinVar (database versions not stated): ESP Exome Variant Server 0.00867; gnomAD 0.01204 and 0.01292; TOPMed 0.01266; 1000 Genomes Project 0.01318; 1000 Genomes Project 30x 0.01343.
gnomAD v4.1: 3,777 of 1,606,172 alleles (0.24%); highest among the groups gnomAD compares: African/African-American, 4.3%; 100 homozygotes.

Submissions (8):

Labcorp Genetics (formerly Invitae), Labcorp
Classification: Benign for Adams-Oliver syndrome 5. Last evaluated: 2026-02-01. Review status: criteria provided, single submitter. Criteria: Invitae Variant Classification Sherloc (09022015). Collection method: clinical testing. Allele origin: germline.

ARUP Laboratories, Molecular Genetics and Genomics, ARUP Laboratories
Classification: Benign. Last evaluated: 2025-01-06. Review status: criteria provided, single submitter. Criteria: ARUP Molecular Germline Variant Investigation Process 2024. Collection method: clinical testing. Allele origin: germline.

Blueprint Genetics
Classification: Likely benign. Last evaluated: 2024-11-27. Review status: criteria provided, single submitter. Criteria: ACMG Guidelines, 2015. Collection method: clinical testing. Allele origin: germline.

Women's Health and Genetics/Laboratory Corporation of America, LabCorp
Classification: Benign. Last evaluated: 2023-07-21. Review status: criteria provided, single submitter. Criteria: LabCorp Variant Classification Summary - May 2015. Collection method: clinical testing. Allele origin: germline.

Genome-Nilou Lab
Classification: Benign for Adams-Oliver syndrome 5. Last evaluated: 2022-03-15. Review status: criteria provided, single submitter. Criteria: ACMG Guidelines, 2015. Collection method: clinical testing. Allele origin: germline. Affected: no.

Genome-Nilou Lab
Classification: Benign for Aortic valve disease 1. Last evaluated: 2022-03-15. Review status: criteria provided, single submitter. Criteria: ACMG Guidelines, 2015. Collection method: clinical testing. Allele origin: germline. Affected: no.

GeneDx
Classification: Benign. Last evaluated: 2017-01-05. Review status: criteria provided, single submitter. Criteria: GeneDx Variant Classification (06012015). Collection method: clinical testing. Allele origin: germline. Affected: yes.
Comment: This variant is considered likely benign or benign based on one or more of the following criteria: it is a conservative change, it occurs at a poorly conserved position in the protein, it is predicted to be benign by multiple in silico algorithms, and/or has population frequency not consistent with disease.

Breakthrough Genomics
Classification: Benign. Review status: criteria provided, single submitter. Criteria: ACMG Guidelines, 2015. Collection method: not provided. Allele origin: germline. Inheritance: Autosomal dominant inheritance. Affected: yes.

Literature cited by the submitters: PubMed 16614245 (cited by Women's Health and Genetics/Laboratory Corporation of America, LabCorp); PubMed 19635999 (cited by Women's Health and Genetics/Laboratory Corporation of America, LabCorp); PubMed 19245433 (cited by Women's Health and Genetics/Laboratory Corporation of America, LabCorp); PubMed 22858860 (cited by Women's Health and Genetics/Laboratory Corporation of America, LabCorp).